The following is an entry in ClinVar:

ClinVar aggregate classification (germline): Uncertain significance (1 of 4 stars; one submission).

Allele frequency attached by ClinVar (database versions not stated): gnomAD exomes below 0.00001; gnomAD 0.00001; TOPMed 0.00001.
gnomAD v4.1: 5 of 1,614,010 alleles (0.00031%); highest among the groups gnomAD compares: Admixed American, 0.0017%; no homozygotes.

Submission:

Labcorp Genetics (formerly Invitae), Labcorp
Classification: Uncertain significance for Combined immunodeficiency due to DOCK8 deficiency. Last evaluated: 2024-07-11. Review status: criteria provided, single submitter. Criteria: Invitae Variant Classification Sherloc (09022015). Collection method: clinical testing. Allele origin: germline.
Comment: This sequence change replaces alanine, which is neutral and non-polar, with threonine, which is neutral and polar, at codon 1213 of the DOCK8 protein (p.Ala1213Thr). This variant is present in population databases (no rsID available, gnomAD 0.003%). This variant has not been reported in the literature in individuals affected with DOCK8-related conditions. ClinVar contains an entry for this variant (Variation ID: 2159464). Advanced modeling of protein sequence and biophysical properties (such as structural, functional, and spatial information, amino acid conservation, physicochemical variation, residue mobility, and thermodynamic stability) performed at Invitae indicates that this missense variant is not expected to disrupt DOCK8 protein function with a negative predictive value of 80%. In summary, the available evidence is currently insufficient to determine the role of this variant in disease. Therefore, it has been classified as a Variant of Uncertain Significance.

NM_203447.4(DOCK8):c.3637G>A (p.Ala1213Thr)

Gene: DOCK8 (dedicator of cytokinesis 8; plus strand). Cytogenetic location: 9p24.3.
Variant type: single nucleotide variant.
Coding change: c.3637G>A on transcript NM_203447.4 (MANE Select); coding-DNA position 3637, G replaced by A.
Protein change: p.Ala1213Thr; replaces alanine 1213 with threonine.
Molecular consequence: missense variant.
Genome position (GRCh38, 1-based): chr9:414,888, G>A. VCF-style: chr9-414888-G-A. GRCh37 (hg19) VCF-style: chr9-414888-G-A.
Other names: c.3337G>A, p.Ala1113Thr (NM_001190458.2); c.3433G>A, p.Ala1145Thr (NM_001193536.2); short protein forms A1145T, A1113T, A1213T.
Identifiers: ClinVar variation 2159464 (VCV002159464.2), dbSNP rs1172637555, ClinGen allele CA372760793.
Genomic context (GRCh38, chr9:414,888, plus strand): 5'-CTAAGTTCTCACGACCTGGACCCACGCTGTGTCAAACCAGAGGTGAAGGTCAAAATCGCC[G>A]CCCTTTACCTACCTTTAGTTGGCATCATTTTGGATGCTTTGCCACAGCTCTGTGACTTTA-3'
Protein context (NP_982272.2, residues 1203-1223): VKPEVKVKIA[Ala1213Thr]LYLPLVGIIL